The following is an entry in ClinVar:

NM_016138.5(COQ7):c.137G>A (p.Arg46Gln)

Gene: COQ7 (coenzyme Q7, hydroxylase; plus strand). Cytogenetic location: 16p12.3.
Variant type: single nucleotide variant.
Coding change: c.137G>A on transcript NM_016138.5 (MANE Select); coding-DNA position 137, G replaced by A.
Protein change: p.Arg46Gln; replaces arginine 46 with glutamine.
Molecular consequence: missense variant. On other transcripts: non-coding transcript variant (3).
Genome position (GRCh38, 1-based): chr16:19,071,991, G>A. VCF-style: chr16-19071991-G-A. GRCh37 (hg19) VCF-style: chr16-19083313-G-A.
Other names: c.137G>A (NM_016138.4); c.23G>A, p.Arg8Gln (NM_001190983.2, NM_001370492.1, NM_001370493.1 and 2 more transcripts); c.95G>A, p.Arg32Gln (NM_001370489.1, NM_001370491.1); c.137G>A, p.Arg46Gln (NM_001370490.1); short protein forms R32Q, R8Q, R46Q.
Identifiers: ClinVar variation 2067383 (VCV002067383.5), dbSNP rs374302625, ClinGen allele CA7932891.
Genomic context (GRCh38, chr16:19,071,991, plus strand): 5'-ATGGAAGAAGAACCAGTGTCAGATTTCGCAGTTCAGGAATGACTTTAGACAATATCAGTC[G>A]GGCAGCTGTGGATCGAATAATCCGGGTGGATCATGCAGGCGAATATGGAGCAAACCGCAT-3'
Protein context (NP_057222.2, residues 36-56): SSGMTLDNIS[Arg46Gln]AAVDRIIRVD

ClinVar aggregate classification (germline): Uncertain significance. Review status: criteria provided, multiple submitters, no conflicts (2 of 4 stars). 3 submissions from 3 submitters: Uncertain significance (3). Last evaluated 2025-07-03.

Allele frequency attached by ClinVar (database versions not stated): gnomAD 0.00004; gnomAD exomes 0.00007; ExAC 0.00008; ESP Exome Variant Server 0.00008; TOPMed 0.00011.
gnomAD v4.1: 124 of 1,614,106 alleles (0.0077%); highest among the groups gnomAD compares: Middle Eastern, 0.033%; no homozygotes.

Submissions (3):

Ambry Genetics
Classification: Uncertain significance. Last evaluated: 2025-07-03. Review status: criteria provided, single submitter. Criteria: Ambry Variant Classification Scheme 2023. Collection method: clinical testing. Allele origin: germline.

GeneDx
Classification: Uncertain significance. Last evaluated: 2024-03-31. Review status: criteria provided, single submitter. Criteria: GeneDx Variant Classification Process June 2021. Collection method: clinical testing. Allele origin: germline. Affected: yes.
Comment: In silico analysis supports that this missense variant does not alter protein structure/function; Has not been previously published as pathogenic or benign to our knowledge

Labcorp Genetics (formerly Invitae), Labcorp
Classification: Uncertain significance. Last evaluated: 2022-08-05. Review status: criteria provided, single submitter. Criteria: Invitae Variant Classification Sherloc (09022015). Collection method: clinical testing. Allele origin: germline.
Comment: This sequence change replaces arginine, which is basic and polar, with glutamine, which is neutral and polar, at codon 46 of the COQ7 protein (p.Arg46Gln). This variant is present in population databases (rs374302625, gnomAD 0.02%). This variant has not been reported in the literature in individuals affected with COQ7-related conditions. Algorithms developed to predict the effect of missense changes on protein structure and function output the following: SIFT: "Tolerated"; PolyPhen-2: "Benign"; Align-GVGD: "Class C0". The glutamine amino acid residue is found in multiple mammalian species, which suggests that this missense change does not adversely affect protein function. In summary, the available evidence is currently insufficient to determine the role of this variant in disease. Therefore, it has been classified as a Variant of Uncertain Significance.